The following is an entry in ClinVar:

ClinVar aggregate classification (germline): Likely pathogenic (1 of 4 stars; one submission).

Conditions:
Dilated cardiomyopathy 1G (CMD1G). Identifiers: Orphanet 154, MedGen C1858763, MONDO:0011400, OMIM 604145.
Autosomal recessive limb-girdle muscular dystrophy type 2J (LGMDR10). Also called: Limb-girdle muscular dystrophy, type 2J; MUSCULAR DYSTROPHY, LIMB-GIRDLE, AUTOSOMAL RECESSIVE 10. Identifiers: Orphanet 140922, MedGen C1837342, MONDO:0012127, OMIM 608807.

Submission:

Labcorp Genetics (formerly Invitae), Labcorp
Classification: Likely pathogenic for Dilated cardiomyopathy 1G; Autosomal recessive limb-girdle muscular dystrophy type 2J. Last evaluated: 2024-08-20. Review status: criteria provided, single submitter. Criteria: Invitae Variant Classification Sherloc (09022015). Collection method: clinical testing. Allele origin: germline.
Comment: This sequence change creates a premature translational stop signal (p.Lys17476Leufs*14) in the TTN gene. While this is not anticipated to result in nonsense mediated decay, it is expected to create a truncated TTN protein. This variant is not present in population databases (gnomAD no frequency). This variant has not been reported in the literature in individuals affected with TTN-related conditions. This variant is located in the A band of TTN (PMID: 25589632). Truncating variants in this region are significantly overrepresented in patients affected with dilated cardiomyopathy (PMID: 25589632). Truncating variants in this region have also been reported in individuals affected with autosomal recessive centronuclear myopathy (PMID: 23975875). In summary, the currently available evidence indicates that the variant is pathogenic, but additional data are needed to prove that conclusively. Therefore, this variant has been classified as Likely Pathogenic.

Literature cited by the submitters: PubMed 25589632; PubMed 23975875.

NM_001267550.2(TTN):c.52424_52425insCT (p.Lys17476fs)

Genes: TTN (titin; minus strand), TTN-AS1 (TTN antisense RNA 1; plus strand). Cytogenetic location: 2q31.2.
Variant type: Insertion.
Coding change: c.52424_52425insCT on transcript NM_001267550.2 (MANE Select); coding-DNA positions 52424 to 52425, CT inserted.
Protein change: p.Lys17476fs; shifts the reading frame from lysine 17476.
Molecular consequence: frameshift variant.
Genome position: GRCh38 VCF-style: chr2-178608458-A-AAG. GRCh37 (hg19) VCF-style: chr2-179473185-A-AAG.
Other names: c.47501_47502insCT, p.Lys15835fs (NM_001256850.1); c.25229_25230insCT, p.Lys8411fs (NM_003319.4); c.44720_44721insCT, p.Lys14908fs (NM_133378.4); c.25604_25605insCT, p.Lys8536fs (NM_133432.3); c.25805_25806insCT, p.Lys8603fs (NM_133437.4); short protein forms K14908fs, K15835fs, K17476fs, K8411fs, K8536fs, K8603fs.
Identifiers: ClinVar variation 3757766 (VCV003757766.2).